The following is an entry in ClinVar:

ClinVar aggregate classification (germline): Uncertain significance (1 of 4 stars; one submission).

Conditions:
Dilated cardiomyopathy 1G (CMD1G). Identifiers: Orphanet 154, MedGen C1858763, MONDO:0011400, OMIM 604145.
Autosomal recessive limb-girdle muscular dystrophy type 2J (LGMDR10). Also called: Limb-girdle muscular dystrophy, type 2J; MUSCULAR DYSTROPHY, LIMB-GIRDLE, AUTOSOMAL RECESSIVE 10. Identifiers: Orphanet 140922, MedGen C1837342, MONDO:0012127, OMIM 608807.

gnomAD v4.1: 1 of 1,613,944 alleles (0.000062%); highest among the groups gnomAD compares: Non-Finnish European, 0.000085%; no homozygotes.

Submission:

Labcorp Genetics (formerly Invitae), Labcorp
Classification: Uncertain significance for Dilated cardiomyopathy 1G; Autosomal recessive limb-girdle muscular dystrophy type 2J. Last evaluated: 2025-03-11. Review status: criteria provided, single submitter. Criteria: Invitae Variant Classification Sherloc (09022015). Collection method: clinical testing. Allele origin: germline.
Comment: This sequence change replaces tyrosine, which is neutral and polar, with cysteine, which is neutral and slightly polar, at codon 34548 of the TTN protein (p.Tyr34548Cys). This variant is not present in population databases (gnomAD no frequency). This variant has not been reported in the literature in individuals affected with TTN-related conditions. Experimental studies and prediction algorithms are not available or were not evaluated, and the functional significance of this variant is currently unknown. This variant is located in the M band of TTN (PMID: 25589632). Non-truncating variants in this region may be relevant for neuromuscular disorders, but have not been definitively shown to cause cardiomyopathy (PMID: 23975875). In summary, the available evidence is currently insufficient to determine the role of this variant in disease. Therefore, it has been classified as a Variant of Uncertain Significance.

Literature cited by the submitters: PubMed 25589632; PubMed 23975875.

NM_001267550.2(TTN):c.103643A>G (p.Tyr34548Cys)

Genes: TTN-AS1 (TTN antisense RNA 1; plus strand), TTN (titin; minus strand). Cytogenetic location: 2q31.2.
Variant type: single nucleotide variant.
Coding change: c.103643A>G on transcript NM_001267550.2 (MANE Select); coding-DNA position 103643, A replaced by G.
Protein change: p.Tyr34548Cys; replaces tyrosine 34548 with cysteine.
Molecular consequence: missense variant.
Genome position (GRCh38, 1-based): chr2:178,532,972, T>C on the plus strand (A>G on the coding strand, the complement: TTN is on the minus strand). VCF-style: chr2-178532972-T-C. GRCh37 (hg19) VCF-style: chr2-179397699-T-C.
Other names: c.98720A>G, p.Tyr32907Cys (NM_001256850.1); c.76448A>G, p.Tyr25483Cys (NM_003319.4); c.95939A>G, p.Tyr31980Cys (NM_133378.4); c.76823A>G, p.Tyr25608Cys (NM_133432.3); c.77024A>G, p.Tyr25675Cys (NM_133437.4); short protein forms Y32907C, Y34548C, Y25608C, Y31980C, Y25483C, Y25675C.
Identifiers: ClinVar variation 4784356 (VCV004784356.1).